The following is an entry in ClinVar:

NM_001267550.2(TTN):c.30082C>T (p.Leu10028Phe)

Gene: TTN (titin; minus strand). Cytogenetic location: 2q31.2.
Variant type: single nucleotide variant.
Coding change: c.30082C>T on transcript NM_001267550.2 (MANE Select); coding-DNA position 30082, C replaced by T.
Protein change: p.Leu10028Phe; replaces leucine 10028 with phenylalanine.
Molecular consequence: missense variant. On other transcripts: intron variant (3).
Genome position (GRCh38, 1-based): chr2:178,704,288, G>A on the plus strand (C>T on the coding strand, the complement: TTN is on the minus strand). VCF-style: chr2-178704288-G-A. GRCh37 (hg19) VCF-style: chr2-179569015-G-A.
Other names: c.29131C>T, p.Leu9711Phe (NM_001256850.1); c.26350C>T, p.Leu8784Phe (NM_133378.4); c.13282+33794C>T (NM_003319.4); c.13858+33794C>T (NM_133437.4); c.13657+33794C>T (NM_133432.3); short protein forms L10028F, L8784F, L9711F.
Identifiers: ClinVar variation 4685737 (VCV004685737.1).

ClinVar aggregate classification (germline): Uncertain significance (1 of 4 stars; one submission).

Submission:

ARUP Laboratories, Molecular Genetics and Genomics, ARUP Laboratories
Classification: Uncertain significance. Last evaluated: 2025-04-08. Review status: criteria provided, single submitter. Criteria: ARUP Molecular Germline Variant Investigation Process 2024. Collection method: clinical testing. Allele origin: germline.
Comment: The TTN c.30082C>T; p.Leu10028Phe variant (rs2075497220) is rare in the general population (<0.2% allele frequency in the Genome Aggregation Database) and has not been reported in the medical literature in association with dilated cardiomyopathy (DCM) or other TTN-related disease. The clinical relevance of rare missense variants in this gene, which are identified on average once per individual sequenced in affected populations (Herman 2012), is not well understood. Yet, evidence suggests that the vast majority of such missense variants do not contribute to the clinical outcome of DCM (Begay 2015). Thus, the clinical significance of the p.Leu10028Phe variant cannot be determined with certainty. References: Begay RL et al. Role of Titin Missense Variants in Dilated Cardiomyopathy. J Am Heart Assoc. 2015 Nov 13;4(11). PMID: 26567375. Herman DS et al. Truncations of titin causing dilated cardiomyopathy. N Engl J Med. 2012 Feb 16;366(7):619-28. PMID: 22335739. Linke WA and Hamdani N. Gigantic business: titin properties and function through thick and thin. Circ Res 2014; 114(6): 1052-1068. PMID: 24625729.